The following is an entry in ClinVar:

NM_001128228.3(TPRN):c.759G>A (p.Glu253=)

Gene: TPRN (taperin; minus strand). Cytogenetic location: 9q34.3.
Variant type: single nucleotide variant.
Coding change: c.759G>A on transcript NM_001128228.3 (MANE Select); coding-DNA position 759, G replaced by A.
Protein change: p.Glu253=; no amino-acid change (glutamic acid 253 retained).
Molecular consequence: synonymous variant.
Genome position (GRCh38, 1-based): chr9:137,199,953, C>T on the plus strand (G>A on the coding strand, the complement: TPRN is on the minus strand). VCF-style: chr9-137199953-C-T. GRCh37 (hg19) VCF-style: chr9-140094405-C-T.
Identifiers: ClinVar variation 3343702 (VCV003343702.1).

ClinVar aggregate classification (germline): Uncertain significance (1 of 4 stars; one submission).

gnomAD v4.1: 2 of 1,484,698 alleles (0.00013%); highest among the groups gnomAD compares: Admixed American, 0.0043%; no homozygotes.

Submission:

GeneDx
Classification: Uncertain significance. Last evaluated: 2023-05-24. Review status: criteria provided, single submitter. Criteria: GeneDx Variant Classification Process June 2021. Collection method: clinical testing. Allele origin: germline. Affected: yes.
Comment: In silico analysis supports that this variant does not alter splicing; Has not been previously published as pathogenic or benign to our knowledge